The following is an entry in ClinVar:

NM_007294.4(BRCA1):c.2216_2217dup (p.Val740fs)

Gene: BRCA1 (BRCA1 DNA repair associated; minus strand). Cytogenetic location: 17q21.31.
Variant type: Duplication.
Coding change: c.2216_2217dup on transcript NM_007294.4 (MANE Select); coding-DNA positions 2216 to 2217, 2 bases duplicated (AA; older notation c.2216_2217dupAA).
Protein change: p.Val740fs; shifts the reading frame from valine 740.
Molecular consequence: frameshift variant. On other transcripts: intron variant (137).
Genome position (GRCh38, 1-based): chr17:43,093,314-43,093,315, TT duplicated on the plus strand (AA on the coding strand, the reverse complement: BRCA1 is on the minus strand); duplicating any 2 consecutive bases within chr17:43,093,314-43,093,316 gives the same sequence; the c. name uses the placement nearest the transcript's 3' end. VCF-style (leftmost placement, unchanged base first): chr17-43093313-C-CTT. GRCh37 (hg19) VCF-style: chr17-41245330-C-CTT.
Other names: c.523+1429_523+1430dup (NM_001408500.1, NM_001408497.1, NM_001408498.1 and 3 more transcripts); c.646+1429_646+1430dup (NM_001408466.1, NM_001408452.1, NM_001408457.1 and 11 more transcripts); c.787+1429_787+1430dup (NM_001407973.1, NM_001407980.1, NM_001407993.1 and 17 more transcripts); c.404-2283_404-2282dup (NM_001408511.1); c.461-2283_461-2282dup (NM_001408507.1, NM_001408506.1); c.520+1429_520+1430dup (NM_001408505.1, NM_001408503.1, NM_001408504.1); c.545-2283_545-2282dup (NM_001408495.1); c.2003_2004dup, p.Val669fs (NM_001407571.1, NM_001407853.1, NM_001407894.1 and 9 more transcripts); and 41 more; short protein forms V613fs, V651fs, V672fs, V692fs, V698fs, V737fs, V444fs, V572fs.
Identifiers: ClinVar variation 4713171 (VCV004713171.1).

ClinVar aggregate classification (germline): Pathogenic (1 of 4 stars; one submission).

Conditions:
Hereditary breast ovarian cancer syndrome. Also called: BRCA1- and BRCA2-Associated Hereditary Breast and Ovarian Cancer; Breast and ovarian cancer; Hereditary breast and ovarian cancer syndrome; Hereditary breast and ovarian cancer syndrome (HBOC); Hereditary breast and/or ovarian cancer syndrome; Hereditary breast and ovarian cancer. Identifiers: Orphanet 145, MedGen C0677776, MeSH D061325, MONDO:0003582. Disease mechanism: loss of function.

Submission:

Labcorp Genetics (formerly Invitae), Labcorp
Classification: Pathogenic for Hereditary breast ovarian cancer syndrome. Last evaluated: 2025-06-04. Review status: criteria provided, single submitter. Criteria: Invitae Variant Classification Sherloc (09022015). Collection method: clinical testing. Allele origin: germline.
Comment: This sequence change creates a premature translational stop signal (p.Val740Lysfs*14) in the BRCA1 gene. It is expected to result in an absent or disrupted protein product. Loss-of-function variants in BRCA1 are known to be pathogenic (PMID: 20104584). This variant is not present in population databases (gnomAD no frequency). This variant has not been reported in the literature in individuals affected with BRCA1-related conditions. For these reasons, this variant has been classified as Pathogenic.

Literature cited by the submitters: PubMed 20104584.